The following is an entry in ClinVar:

ClinVar aggregate classification (germline): Uncertain significance. Review status: criteria provided, multiple submitters, no conflicts (2 of 4 stars). 2 submissions from 2 submitters: Uncertain significance (2). Last evaluated 2025-12-13.

Conditions:
Hereditary cancer-predisposing syndrome. Also called: Tumor predisposition; Hereditary Cancer Syndrome; Hereditary neoplastic syndrome; Neoplastic Syndromes, Hereditary. Identifiers: Orphanet 140162, MedGen C0027672, MeSH D009386, MONDO:0015356.
Renal cell carcinoma. Identifiers: Orphanet 217071, MedGen C0007134, MeSH D002292, MONDO:0005086, HP:0005584.

Allele frequency attached by ClinVar (database versions not stated): gnomAD exomes below 0.00001.
gnomAD v4.1: 1 of 1,613,948 alleles (0.000062%); highest among the groups gnomAD compares: Non-Finnish European, 0.000085%; no homozygotes.

Submissions (2):

Ambry Genetics
Classification: Uncertain significance for Hereditary cancer-predisposing syndrome. Last evaluated: 2025-12-13. Review status: criteria provided, single submitter. Criteria: Ambry Variant Classification Scheme 2023. Collection method: clinical testing. Allele origin: germline.
Comment: The p.E49K variant (also known as c.145G>A), located in coding exon 1 of the MET gene, results from a G to A substitution at nucleotide position 145. The glutamic acid at codon 49 is replaced by lysine, an amino acid with similar properties. This amino acid position is not well conserved in available vertebrate species. In addition, this alteration is predicted to be tolerated by in silico analysis. Since supporting evidence is limited at this time, the clinical significance of this alteration remains unclear.

Labcorp Genetics (formerly Invitae), Labcorp
Classification: Uncertain significance for Renal cell carcinoma. Last evaluated: 2025-03-30. Review status: criteria provided, single submitter. Criteria: Invitae Variant Classification Sherloc (09022015). Collection method: clinical testing. Allele origin: germline.
Comment: This sequence change replaces glutamic acid, which is acidic and polar, with lysine, which is basic and polar, at codon 49 of the MET protein (p.Glu49Lys). This variant is not present in population databases (gnomAD no frequency). This variant has not been reported in the literature in individuals affected with MET-related conditions. ClinVar contains an entry for this variant (Variation ID: 411874). Invitae Evidence Modeling of protein sequence and biophysical properties (such as structural, functional, and spatial information, amino acid conservation, physicochemical variation, residue mobility, and thermodynamic stability) indicates that this missense variant is not expected to disrupt MET protein function with a negative predictive value of 80%. In summary, the available evidence is currently insufficient to determine the role of this variant in disease. Therefore, it has been classified as a Variant of Uncertain Significance.

NM_000245.4(MET):c.145G>A (p.Glu49Lys)

Gene: MET (MET proto-oncogene, receptor tyrosine kinase; plus strand). Cytogenetic location: 7q31.2.
Variant type: single nucleotide variant.
Coding change: c.145G>A on transcript NM_000245.4 (MANE Select); coding-DNA position 145, G replaced by A.
Protein change: p.Glu49Lys; replaces glutamic acid 49 with lysine.
Molecular consequence: missense variant. On other transcripts: intron variant (1).
Genome position (GRCh38, 1-based): chr7:116,699,229, G>A. VCF-style: chr7-116699229-G-A. GRCh37 (hg19) VCF-style: chr7-116339283-G-A.
Other names: c.145G>A, p.Glu49Lys (NM_001127500.3, NM_001324401.3); c.-91+26652G>A (NM_001324402.2); short protein forms E49K.
Identifiers: ClinVar variation 411874 (VCV000411874.50), dbSNP rs1060503528, ClinGen allele CA16611984.